The following is an entry in ClinVar:

NM_001365902.3(NFIX):c.186C>G (p.Gly62=)

Gene: NFIX (nuclear factor I X; plus strand). Cytogenetic location: 19p13.13.
Variant type: single nucleotide variant.
Coding change: c.186C>G on transcript NM_001365902.3 (MANE Select); coding-DNA position 186, C replaced by G.
Protein change: p.Gly62=; no amino-acid change (glycine 62 retained).
Molecular consequence: synonymous variant.
Genome position (GRCh38, 1-based): chr19:13,025,179, C>G. VCF-style: chr19-13025179-C-G. GRCh37 (hg19) VCF-style: chr19-13135993-C-G.
Other names: c.210C>G, p.Gly70= (NM_001271043.2); c.162C>G, p.Gly54= (NM_001271044.3, NM_001378404.1); c.186C>G, p.Gly62= (NM_001365982.2, NM_002501.4); c.45C>G, p.Gly15= (NM_001365983.2); c.183C>G, p.Gly61= (NM_001365984.2, NM_001365985.2); c.234C>G, p.Gly78= (NM_001378405.1).
Identifiers: ClinVar variation 388099 (VCV000388099.6), dbSNP rs1057523001, ClinGen allele CA16608047.

ClinVar aggregate classification (germline): Likely benign. Review status: criteria provided, multiple submitters, no conflicts (2 of 4 stars). 2 submissions from 2 submitters: Likely benign (2). Last evaluated 2023-06-28.

Conditions:
Marshall-Smith syndrome (MRSHSS). Identifiers: Orphanet 561, MedGen C0265211, MONDO:0011244, OMIM 602535.
Malan overgrowth syndrome (MALNS). Also called: Sotos syndrome 2; NFIX-Related Malan Syndrome; MALAN SYNDROME. Identifiers: Orphanet 420179, MedGen C3553660, MONDO:0013885, OMIM 614753.

Allele frequency attached by ClinVar (database versions not stated): gnomAD exomes 0.00001.
gnomAD v4.1: 5 of 1,614,164 alleles (0.00031%); highest among the groups gnomAD compares: Admixed American, 0.0083%; no homozygotes.

Submissions (2):

Labcorp Genetics (formerly Invitae), Labcorp
Classification: Likely benign for Malan overgrowth syndrome; Marshall-Smith syndrome. Last evaluated: 2023-06-28. Review status: criteria provided, single submitter. Criteria: Invitae Variant Classification Sherloc (09022015). Collection method: clinical testing. Allele origin: germline.

GeneDx
Classification: Likely benign. Last evaluated: 2016-08-02. Review status: criteria provided, single submitter. Criteria: GeneDx Variant Classification (06012015). Collection method: clinical testing. Allele origin: germline. Affected: yes.
Comment: This variant is considered likely benign or benign based on one or more of the following criteria: it is a conservative change, it occurs at a poorly conserved position in the protein, it is predicted to be benign by multiple in silico algorithms, and/or has population frequency not consistent with disease.